The following is an entry in ClinVar:

NM_173630.4(RTTN):c.6307G>C (p.Asp2103His)

Gene: RTTN (rotatin; minus strand). Cytogenetic location: 18q22.2.
Variant type: single nucleotide variant.
Coding change: c.6307G>C on transcript NM_173630.4 (MANE Select); coding-DNA position 6307, G replaced by C.
Protein change: p.Asp2103His; replaces aspartic acid 2103 with histidine.
Molecular consequence: missense variant.
Genome position (GRCh38, 1-based): chr18:70,017,521, C>G on the plus strand (G>C on the coding strand, the complement: RTTN is on the minus strand). VCF-style: chr18-70017521-C-G. GRCh37 (hg19) VCF-style: chr18-67684757-C-G.
Other names: c.3571G>C, p.Asp1191His (NM_001318520.2); short protein forms D1191H, D2103H.
Identifiers: ClinVar variation 4745573 (VCV004745573.1).

ClinVar aggregate classification (germline): Uncertain significance (1 of 4 stars; one submission).

Submission:

Labcorp Genetics (formerly Invitae), Labcorp
Classification: Uncertain significance. Last evaluated: 2025-09-02. Review status: criteria provided, single submitter. Criteria: Invitae Variant Classification Sherloc (09022015). Collection method: clinical testing. Allele origin: germline.
Comment: This sequence change replaces aspartic acid, which is acidic and polar, with histidine, which is basic and polar, at codon 2103 of the RTTN protein (p.Asp2103His). This variant is not present in population databases (gnomAD no frequency). This variant has not been reported in the literature in individuals affected with RTTN-related conditions. Invitae Evidence Modeling of protein sequence and biophysical properties (such as structural, functional, and spatial information, amino acid conservation, physicochemical variation, residue mobility, and thermodynamic stability) has been performed for this missense variant. However, the output from this modeling did not meet the statistical confidence thresholds required to predict the impact of this variant on RTTN protein function. In summary, the available evidence is currently insufficient to determine the role of this variant in disease. Therefore, it has been classified as a Variant of Uncertain Significance.